The following is an entry in ClinVar:

NM_002878.4(RAD51D):c.746del (p.Asn249fs)

Genes: RAD51D (RAD51 paralog D; minus strand), RAD51L3-RFFL (RAD51L3-RFFL readthrough; minus strand). Cytogenetic location: 17q12.
Variant type: Deletion.
Coding change: c.746del on transcript NM_002878.4 (MANE Select); coding-DNA position 746, one base deleted (A; older notation c.746delA).
Protein change: p.Asn249fs; shifts the reading frame from asparagine 249.
Molecular consequence: frameshift variant. On other transcripts: non-coding transcript variant (3).
Genome position (GRCh38, 1-based): chr17:35,101,358, T deleted on the plus strand (A on the coding strand, the reverse complement: RAD51D is on the minus strand); the first of 2 consecutive T bases (chr17:35,101,358-35,101,359); deleting either gives the same sequence. VCF-style (leftmost placement, unchanged base first): chr17-35101357-GT-G. GRCh37 (hg19) VCF-style: chr17-33428376-GT-G.
Other names: c.746delA (NM_002878.3); c.806del, p.Asn269fs (NM_001142571.2); c.410del, p.Asn137fs (NM_133629.3); short protein forms N137fs, N249fs, N269fs.
Identifiers: ClinVar variation 959345 (VCV000959345.24), dbSNP rs2091536198, ClinGen allele CA1139665494.

ClinVar aggregate classification (germline): Pathogenic. Review status: criteria provided, multiple submitters, no conflicts (2 of 4 stars). 3 submissions from 3 submitters: Pathogenic (2). 1 of the submissions does not count toward it. Last evaluated 2024-11-05.

Conditions:
Gastric cancer. Also called: Stomach cancer; Malignant tumor of stomach. Identifiers: MedGen C0024623, MeSH D013274, MONDO:0001056, OMIM 613659, HP:0012126.
Hereditary cancer-predisposing syndrome. Also called: Hereditary neoplastic syndrome; Neoplastic Syndromes, Hereditary; Hereditary Cancer Syndrome; Tumor predisposition. Identifiers: Orphanet 140162, MedGen C0027672, MeSH D009386, MONDO:0015356.
Breast-ovarian cancer, familial, susceptibility to, 4. Identifiers: Orphanet 145, MedGen C3280345, MONDO:0013669, OMIM 614291.

Submissions (3):

Ambry Genetics
Classification: Pathogenic for Hereditary cancer-predisposing syndrome. Last evaluated: 2024-11-05. Review status: criteria provided, single submitter. Criteria: Ambry Variant Classification Scheme 2023. Collection method: clinical testing. Allele origin: germline.
Comment: The c.746delA pathogenic mutation, located in coding exon 9 of the RAD51D gene, results from a deletion of one nucleotide at nucleotide position 746, causing a translational frameshift with a predicted alternate stop codon (p.N249Tfs*3). This variant is considered to be rare based on population cohorts in the Genome Aggregation Database (gnomAD). This alteration is expected to result in loss of function by premature protein truncation or nonsense-mediated mRNA decay. As such, this alteration is interpreted as a disease-causing mutation.

Labcorp Genetics (formerly Invitae), Labcorp
Classification: Pathogenic for Breast-ovarian cancer, familial, susceptibility to, 4. Last evaluated: 2019-11-12. Review status: criteria provided, single submitter. Criteria: Invitae Variant Classification Sherloc (09022015). Collection method: clinical testing. Allele origin: germline.
Comment: This sequence change creates a premature translational stop signal (p.Asn249Thrfs*3) in the RAD51D gene. It is expected to result in an absent or disrupted protein product. This variant is not present in population databases (ExAC no frequency). This variant has not been reported in the literature in individuals with RAD51D-related conditions. Loss-of-function variants in RAD51D are known to be pathogenic (PMID: 21822267). For these reasons, this variant has been classified as Pathogenic.

Laboratory for Genotyping Development, RIKEN
Classification: Pathogenic for Gastric cancer. Last evaluated: 2021-07-01. Review status: no assertion criteria provided. Collection method: research. Allele origin: germline. Not counted in ClinVar's aggregate classification.

Literature cited by the submitters: PubMed 21822267 (cited by Labcorp Genetics (formerly Invitae), Labcorp); PubMed 36988593 (cited by Laboratory for Genotyping Development, RIKEN).